The following is an entry in ClinVar:

NM_004333.6(BRAF):c.1915G>A (p.Val639Ile)

Gene: BRAF (B-Raf proto-oncogene, serine/threonine kinase; minus strand). Cytogenetic location: 7q34.
Variant type: single nucleotide variant.
Coding change: c.1915G>A on transcript NM_004333.6 (MANE Select); coding-DNA position 1915, G replaced by A.
Protein change: p.Val639Ile; replaces valine 639 with isoleucine.
Molecular consequence: missense variant.
Genome position (GRCh38, 1-based): chr7:140,749,364, C>T on the plus strand (G>A on the coding strand, the complement: BRAF is on the minus strand). VCF-style: chr7-140749364-C-T. GRCh37 (hg19) VCF-style: chr7-140449164-C-T.
Other names: c.1915G>A, p.Val639Ile (NM_001354609.2, NM_001378468.1, NM_001378474.1); c.2035G>A, p.Val679Ile (NM_001374244.1, NM_001374258.1); c.1924G>A, p.Val642Ile (NM_001378467.1); c.1849G>A, p.Val617Ile (NM_001378469.1); c.1813G>A, p.Val605Ile (NM_001378470.1); c.1804G>A, p.Val602Ile (NM_001378471.1); c.1759G>A, p.Val587Ile (NM_001378472.1, NM_001378473.1); c.1651G>A, p.Val551Ile (NM_001378475.1); short protein forms V551I, V587I, V642I, V602I, V639I, V679I, V605I, V617I.
Identifiers: ClinVar variation 2095924 (VCV002095924.5), dbSNP rs2128994485, ClinGen allele CA369540954.

ClinVar aggregate classification (germline): Uncertain significance. Review status: criteria provided, multiple submitters, no conflicts (2 of 4 stars). 2 submissions from 2 submitters: Uncertain significance (2). Last evaluated 2024-01-02.

Conditions:
RASopathy. Also called: rasopathies; Noonan spectrum disorder. Identifiers: Orphanet 536391, MedGen C5555857, MONDO:0021060.

Submissions (2):

Blueprint Genetics
Classification: Uncertain significance. Last evaluated: 2024-01-02. Review status: criteria provided, single submitter. Criteria: ACMG Guidelines, 2015. Collection method: clinical testing. Allele origin: germline.

Labcorp Genetics (formerly Invitae), Labcorp
Classification: Uncertain significance for RASopathy. Last evaluated: 2022-02-10. Review status: criteria provided, single submitter. Criteria: Invitae Variant Classification Sherloc (09022015). Collection method: clinical testing. Allele origin: germline.
Comment: In summary, the available evidence is currently insufficient to determine the role of this variant in disease. Therefore, it has been classified as a Variant of Uncertain Significance. Advanced modeling of protein sequence and biophysical properties (such as structural, functional, and spatial information, amino acid conservation, physicochemical variation, residue mobility, and thermodynamic stability) performed at Invitae indicates that this missense variant is expected to disrupt BRAF protein function. This variant has not been reported in the literature in individuals affected with BRAF-related conditions. This variant is not present in population databases (gnomAD no frequency). This sequence change replaces valine, which is neutral and non-polar, with isoleucine, which is neutral and non-polar, at codon 639 of the BRAF protein (p.Val639Ile).